The following is an entry in ClinVar:

NM_000121.4(EPOR):c.1505C>G (p.Pro502Arg)

Gene: EPOR (erythropoietin receptor; minus strand). Cytogenetic location: 19p13.2.
Variant type: single nucleotide variant.
Coding change: c.1505C>G on transcript NM_000121.4 (MANE Select); coding-DNA position 1505, C replaced by G.
Protein change: p.Pro502Arg; replaces proline 502 with arginine.
Molecular consequence: missense variant. On other transcripts: non-coding transcript variant (1).
Genome position (GRCh38, 1-based): chr19:11,378,006, G>C on the plus strand (C>G on the coding strand, the complement: EPOR is on the minus strand). VCF-style: chr19-11378006-G-C. GRCh37 (hg19) VCF-style: chr19-11488682-G-C.
Other names: p.Pro502Arg; short protein forms P502R.
Identifiers: ClinVar variation 3380582 (VCV003380582.4).

ClinVar aggregate classification (germline): Conflicting classifications of pathogenicity. Review status: criteria provided, conflicting classifications (1 of 4 stars). 3 submissions from 3 submitters: Uncertain significance (1); Likely benign (2). Last evaluated 2025-04-07.

Conditions:
Primary familial polycythemia due to EPO receptor mutation. Also called: POLYCYTHEMIA, PRIMARY FAMILIAL AND CONGENITAL; ERYTHROCYTOSIS, SOMATIC; Primary Familial Congenital Polycythemia; Erythrocytosis, familial, 1. Identifiers: Orphanet 90042, MedGen C4551637, MONDO:0007572, OMIM 133100.

gnomAD v4.1: 53 of 1,614,138 alleles (0.0033%); highest among the groups gnomAD compares: East Asian, 0.089%; 1 homozygote.

Submissions (3):

ARUP Laboratories, Molecular Genetics and Genomics, ARUP Laboratories
Classification: Likely benign for Primary familial polycythemia due to EPO receptor mutation. Last evaluated: 2025-04-07. Review status: criteria provided, single submitter. Criteria: ARUP Molecular Germline Variant Investigation Process 2024. Collection method: clinical testing. Allele origin: germline.

Labcorp Genetics (formerly Invitae), Labcorp
Classification: Likely benign. Last evaluated: 2025-01-27. Review status: criteria provided, single submitter. Criteria: Invitae Variant Classification Sherloc (09022015). Collection method: clinical testing. Allele origin: germline.

Mayo Clinic Laboratories, Mayo Clinic
Classification: Uncertain significance. Last evaluated: 2023-11-17. Review status: criteria provided, single submitter. Criteria: ACMG Guidelines, 2015. Collection method: clinical testing. Allele origin: germline. Observed: 1 variant allele.
Comment: BP4

Literature cited by the submitters: PubMed 29790589 (cited by Mayo Clinic Laboratories, Mayo Clinic).